The following is an entry in ClinVar:

ClinVar aggregate classification (germline): Uncertain significance (1 of 4 stars; one submission).

Conditions:
Anauxetic dysplasia. Identifiers: Orphanet 93347, MedGen C1846796, MONDO:0011773.

gnomAD v4.1: 2 of 693,570 alleles (0.00029%); highest among the groups gnomAD compares: Non-Finnish European, 0.00026%; no homozygotes.

Submission:

Labcorp Genetics (formerly Invitae), Labcorp
Classification: Uncertain significance for Anauxetic dysplasia. Last evaluated: 2020-02-18. Review status: criteria provided, single submitter. Criteria: Invitae Variant Classification Sherloc (09022015). Collection method: clinical testing. Allele origin: germline.
Comment: This variant occurs in the RMRP gene, which encodes an RNA molecule that does not result in a protein product. The frequency data for this variant in the population databases is considered unreliable, as metrics indicate insufficient coverage at this position in the ExAC database. This variant has not been reported in the literature in individuals with RMRP-related conditions. Experimental studies and prediction algorithms are not available or were not evaluated, and the functional significance of this non-coding change is currently unknown. In summary, the available evidence is currently insufficient to determine the role of this variant in disease. Therefore, it has been classified as a Variant of Uncertain Significance.

NC_000009.12:g.35657870G>T

Gene: RMRP (RNA component of mitochondrial RNA processing endoribonuclease; minus strand). Cytogenetic location: 9p13.3.
Variant type: single nucleotide variant.
Genome position: GRCh38 VCF-style: chr9-35657870-G-T. GRCh37 (hg19) VCF-style: chr9-35657867-G-T.
Identifiers: ClinVar variation 2150993 (VCV002150993.1), dbSNP rs977992022, ClinGen allele CA464450696.
Genomic context (GRCh38, chr9:35,657,870, plus strand): 5'-ACTAGAGGGAGCTGACGGATGACGCCCCCGCGCCACGCCGCTCAGCGGGATACGCTTCTT[G>T]GCGGACTTTGGAGTGGGAAGCGGGGAATGTCTACGTGCGTATGCACGTGGCACTCTCTGC-3'